The following is an entry in ClinVar:

NM_001370259.2(MEN1):c.654+6G>T

Gene: MEN1 (menin 1; minus strand). Cytogenetic location: 11q13.1.
Variant type: single nucleotide variant.
Coding change: c.654+6G>T on transcript NM_001370259.2 (MANE Select); 6 bases into the intron after coding-DNA position 654, G replaced by T.
Molecular consequence: intron variant.
Genome position (GRCh38, 1-based): chr11:64,807,885, C>A on the plus strand (G>T on the coding strand, the complement: MEN1 is on the minus strand). VCF-style: chr11-64807885-C-A. GRCh37 (hg19) VCF-style: chr11-64575357-C-A.
Other names: c.669+6G>T (NM_130804.3, NM_130803.3, NM_000244.4 and 3 more transcripts); c.654+6G>T (NM_130799.3, NM_001370260.2, NM_001370251.2 and 1 more transcripts); c.549+111G>T (NM_001370263.2, NM_001370262.2).
Identifiers: ClinVar variation 949951 (VCV000949951.9), dbSNP rs1941847253, ClinGen allele CA1139662001.
Genomic context (GRCh38, chr11:64,807,885, plus strand): 5'-GAGTCCCTTGGGTGGCTTGGGCTACTACAGTATGAAGGGGACAAGGCTGGGGGGAGGGAA[C>A]AATACCCGCTCAGCCACACCGGCATTGACTGTCTGGCCCCTGCGGTCCTCGTTGCCCTTG-3'

ClinVar aggregate classification (germline): Uncertain significance. Review status: criteria provided, multiple submitters, no conflicts (2 of 4 stars). 2 submissions from 2 submitters: Uncertain significance (2). Last evaluated 2025-08-20.

Conditions:
Multiple endocrine neoplasia, type 1 (MEN1). Also called: MEN I; WERMER SYNDROME; Endocrine adenomatosis multiple; MEN 1; MEA I. Identifiers: Orphanet 652, MedGen C0025267, MeSH D018761, MONDO:0007540, OMIM 131100.

Allele frequency attached by ClinVar (database versions not stated): gnomAD exomes below 0.00001.
gnomAD v4.1: 1 of 1,613,994 alleles (0.000062%); highest among the groups gnomAD compares: Non-Finnish European, 0.000085%; no homozygotes.

Submissions (2):

Color Diagnostics, LLC DBA Color Health
Classification: Uncertain significance for Multiple endocrine neoplasia, type 1. Last evaluated: 2025-08-20. Review status: criteria provided, single submitter. Criteria: ACMG Guidelines, 2015. Collection method: clinical testing. Allele origin: germline.
Comment: This variant causes a G to T nucleotide substitution at the +6 position of intron 3 of the MEN1 gene. Splicing prediction suggests that this variant may activate a cryptic splice donor site in exon 3. To our knowledge, the splicing impact of this variant has not been reported in RNA studies in the literature. This variant has not been reported in individuals affected with MEN1-related disorders in the literature. This variant has not been identified in the general population by the Genome Aggregation Database (gnomAD). The available evidence is insufficient to determine the role of this variant in disease conclusively. Therefore, this variant is classified as a Variant of Uncertain Significance.

Labcorp Genetics (formerly Invitae), Labcorp
Classification: Uncertain significance for Multiple endocrine neoplasia, type 1. Last evaluated: 2025-07-30. Review status: criteria provided, single submitter. Criteria: Invitae Variant Classification Sherloc (09022015). Collection method: clinical testing. Allele origin: germline.
Comment: This sequence change falls in intron 3 of the MEN1 gene. It does not directly change the encoded amino acid sequence of the MEN1 protein. It affects a nucleotide within the consensus splice site. This variant is not present in population databases (gnomAD no frequency). This variant has not been reported in the literature in individuals affected with MEN1-related conditions. ClinVar contains an entry for this variant (Variation ID: 949951). Variants that disrupt the consensus splice site are a relatively common cause of aberrant splicing (PMID: 17576681, 9536098). Algorithms developed to predict the effect of sequence changes on RNA splicing suggest that this variant is not likely to affect RNA splicing. In summary, the available evidence is currently insufficient to determine the role of this variant in disease. Therefore, it has been classified as a Variant of Uncertain Significance.

Literature cited by the submitters: PubMed 17576681 (cited by Labcorp Genetics (formerly Invitae), Labcorp); PubMed 9536098 (cited by Labcorp Genetics (formerly Invitae), Labcorp).